The following is an entry in ClinVar:

ClinVar aggregate classification (germline): Benign/Likely benign. Review status: criteria provided, multiple submitters, no conflicts (2 of 4 stars). 4 submissions from 4 submitters: Benign (3); Likely benign (1). Last evaluated 2025-06-03.

Allele frequency attached by ClinVar (database versions not stated): gnomAD 0.15949 and 0.16767; TOPMed 0.16273; ExAC 0.19473; 1000 Genomes Project 0.23423; 1000 Genomes Project 30x 0.23423.
gnomAD v4.1: 264,227 of 1,612,642 alleles (16%); highest among the groups gnomAD compares: South Asian, 34%; 24,191 homozygotes.

Submissions (4):

Labcorp Genetics (formerly Invitae), Labcorp
Classification: Benign. Last evaluated: 2025-06-03. Review status: criteria provided, single submitter. Criteria: Invitae Variant Classification Sherloc (09022015). Collection method: clinical testing. Allele origin: germline.

GeneDx
Classification: Benign. Last evaluated: 2018-08-09. Review status: criteria provided, single submitter. Criteria: GeneDx Variant Classification Process June 2021. Collection method: clinical testing. Allele origin: germline. Affected: yes.
Comment: This variant is associated with the following publications: (PMID: 14551916)

Blueprint Genetics
Classification: Likely benign. Last evaluated: 2018-06-27. Review status: criteria provided, single submitter. Criteria: ACMG Guidelines, 2015. Collection method: clinical testing. Allele origin: germline.

Breakthrough Genomics
Classification: Benign. Review status: criteria provided, single submitter. Criteria: ACMG Guidelines, 2015. Collection method: not provided. Allele origin: germline. Inheritance: Autosomal recessive inheritance. Affected: yes.

NM_000352.6(ABCC8):c.2292-36C>T

Genes: ABCC8 (ATP binding cassette subfamily C member 8; minus strand), LOC110121471 (VISTA enhancer hs1977; plus strand). Cytogenetic location: 11p15.1.
Variant type: single nucleotide variant.
Coding change: c.2292-36C>T on transcript NM_000352.6 (MANE Select); 36 bases into the intron before coding-DNA position 2292, C replaced by T.
Molecular consequence: intron variant.
Genome position (GRCh38, 1-based): chr11:17,414,646, G>A on the plus strand (C>T on the coding strand, the complement: ABCC8 is on the minus strand). VCF-style: chr11-17414646-G-A. GRCh37 (hg19) VCF-style: chr11-17436193-G-A.
Other names: c.2289-36C>T (NM_001351297.2); c.2292-36C>T (NM_001351296.2); c.2358-36C>T (NM_001351295.2); c.2295-36C>T (NM_001287174.3).
Identifiers: ClinVar variation 1165583 (VCV001165583.13), dbSNP rs1800851, ClinGen allele CA5903203.